The following is an entry in ClinVar:

ClinVar aggregate classification (germline): Uncertain significance (1 of 4 stars; one submission).

Conditions:
Charcot-Marie-Tooth disease axonal type 2O. Also called: CHARCOT-MARIE-TOOTH DISEASE, AXONAL, AUTOSOMAL DOMINANT, TYPE 2O; CHARCOT-MARIE-TOOTH NEUROPATHY, AXONAL, TYPE 2O; Charcot-Marie-Tooth Neuropathy Type 2O; Charcot-Marie-Tooth disease, axonal, type 20. Identifiers: Orphanet 284232, MedGen C3280220, MONDO:0013644, OMIM 614228.

Submission:

Labcorp Genetics (formerly Invitae), Labcorp
Classification: Uncertain significance for Charcot-Marie-Tooth disease axonal type 2O. Last evaluated: 2023-02-04. Review status: criteria provided, single submitter. Criteria: Invitae Variant Classification Sherloc (09022015). Collection method: clinical testing. Allele origin: germline.
Comment: In summary, the available evidence is currently insufficient to determine the role of this variant in disease. Therefore, it has been classified as a Variant of Uncertain Significance. Algorithms developed to predict the effect of sequence changes on RNA splicing suggest that this variant may disrupt the consensus splice site. Disruption of this splice site has been observed in individual(s) with DYNCH1H1-related conditions (PMID: 29671837). This variant is not present in population databases (gnomAD no frequency). This sequence change affects a donor splice site in intron 64 of the DYNC1H1 gene. It is expected to disrupt RNA splicing. Variants that disrupt the donor or acceptor splice site typically lead to a loss of protein function (PMID: 16199547), however the current clinical and genetic evidence is not sufficient to establish whether loss-of-function variants in DYNC1H1 cause disease.

Literature cited by the submitters: PubMed 29671837; PubMed 16199547.

NM_001376.5(DYNC1H1):c.11941+2T>G

Gene: DYNC1H1 (dynein cytoplasmic 1 heavy chain 1; plus strand). Cytogenetic location: 14q32.31.
Variant type: single nucleotide variant.
Coding change: c.11941+2T>G on transcript NM_001376.5 (MANE Select); the canonical splice donor site of the intron after coding-DNA position 11941, T replaced by G.
Molecular consequence: splice donor variant.
Genome position (GRCh38, 1-based): chr14:102,040,675, T>G. VCF-style: chr14-102040675-T-G. GRCh37 (hg19) VCF-style: chr14-102507012-T-G.
Identifiers: ClinVar variation 2834693 (VCV002834693.3), dbSNP rs1595630836, ClinGen allele CA391037473.